The following is an entry in ClinVar:

ClinVar aggregate classification (germline): Conflicting classifications of pathogenicity. Review status: criteria provided, conflicting classifications (1 of 4 stars). 2 submissions from 2 submitters: Uncertain significance (1); Likely benign (1). Last evaluated 2025-10-29.

Conditions:
Inborn genetic diseases. Identifiers: MedGen C0950123, MeSH D030342.

Allele frequency attached by ClinVar (database versions not stated): TOPMed 0.00001; gnomAD exomes 0.00002; ExAC 0.00003.

Submissions (2):

Ambry Genetics
Classification: Likely benign for Inborn genetic diseases. Last evaluated: 2025-10-29. Review status: criteria provided, single submitter. Criteria: Ambry Variant Classification Scheme 2023. Collection method: clinical testing. Allele origin: germline.

Labcorp Genetics (formerly Invitae), Labcorp
Classification: Uncertain significance. Last evaluated: 2025-02-14. Review status: criteria provided, single submitter. Criteria: Invitae Variant Classification Sherloc (09022015). Collection method: clinical testing. Allele origin: germline.
Comment: This sequence change replaces lysine, which is basic and polar, with threonine, which is neutral and polar, at codon 7 of the IGF2 protein (p.Lys7Thr). This variant is present in population databases (rs764865819, gnomAD 0.03%). This variant has not been reported in the literature in individuals affected with IGF2-related conditions. ClinVar contains an entry for this variant (Variation ID: 1934515). An algorithm developed to predict the effect of missense changes on protein structure and function (PolyPhen-2) suggests that this variant is likely to be tolerated. In summary, the available evidence is currently insufficient to determine the role of this variant in disease. Therefore, it has been classified as a Variant of Uncertain Significance.

NM_000612.6(IGF2):c.20A>C (p.Lys7Thr)

Genes: IGF2 (insulin like growth factor 2; minus strand), INS-IGF2 (INS-IGF2 readthrough; minus strand). Cytogenetic location: 11p15.5.
Variant type: single nucleotide variant.
Coding change: c.20A>C on transcript NM_000612.6 (MANE Select); coding-DNA position 20, A replaced by C.
Protein change: p.Lys7Thr; replaces lysine 7 with threonine.
Molecular consequence: missense variant. On other transcripts: non-coding transcript variant (1).
Genome position (GRCh38, 1-based): chr11:2,135,504, T>G on the plus strand (A>C on the coding strand, the complement: IGF2 is on the minus strand). VCF-style: chr11-2135504-T-G. GRCh37 (hg19) VCF-style: chr11-2156734-T-G.
Other names: c.188A>C (NM_001127598.1); c.20A>C, p.Lys7Thr (NM_001007139.6, NM_001291861.3, NM_001291862.3); c.188A>C, p.Lys63Thr (NM_001127598.3); short protein forms K63T, K7T.
Identifiers: ClinVar variation 1934515 (VCV001934515.6), dbSNP rs764865819, ClinGen allele CA5817749.
Genomic context (GRCh38, chr11:2,135,504, plus strand): 5'-CGGTAAGCAGCAATGCAGCACGAGGCGAAGGCCAAGAAGGTGAGAAGCACCAGCATCGAC[T>G]TCCCCATTGGGATTCCCATTGGTGTCTGGGGGCGGGAGAGAAGTGGCGTGAGCGGGGCAG-3'
Protein context (NP_000603.1, residues 1-17): MGIPMG[Lys7Thr]SMLVLLTFLA